The following is an entry in ClinVar:

NM_000277.3(PAH):c.1063C>T (p.Gln355Ter)

Gene: PAH (phenylalanine hydroxylase; minus strand). Cytogenetic location: 12q23.2.
Variant type: single nucleotide variant.
Coding change: c.1063C>T on transcript NM_000277.3 (MANE Select); coding-DNA position 1063, C replaced by T.
Protein change: p.Gln355Ter; replaces glutamine 355 with a stop codon.
Molecular consequence: nonsense.
Genome position (GRCh38, 1-based): chr12:102,844,338, G>A on the plus strand (C>T on the coding strand, the complement: PAH is on the minus strand). VCF-style: chr12-102844338-G-A. GRCh37 (hg19) VCF-style: chr12-103238116-G-A.
Other names: NM_000277.2(PAH):c.1063C>T; p.Gln355Ter; c.1063C>T, p.Gln355Ter (NM_001354304.2); short protein forms Q355*.
Identifiers: ClinVar variation 102500 (VCV000102500.10), dbSNP rs199475633, ClinGen allele CA229313.

ClinVar aggregate classification (germline): Pathogenic. Review status: reviewed by expert panel (3 of 4 stars). 3 submissions from 3 submitters: Pathogenic (1). 2 of the submissions do not count toward it. Last evaluated 2023-10-15.

Conditions:
Phenylketonuria (PKU). Also called: Phenylketonuria (PKU); FOLLING DISEASE; OLIGOPHRENIA PHENYLPYRUVICA; Phenylketonurias. Identifiers: Orphanet 716, MedGen C0031485, MONDO:0009861, OMIM 261600. Disease mechanism: loss of function.

Submissions (3):

ClinGen PAH Variant Curation Expert Panel
Classification: Pathogenic for Phenylketonuria. Last evaluated: 2023-10-15. Review status: reviewed by expert panel. Criteria: ClinGen PAH ACMG Specifications v1. Collection method: curation. Allele origin: germline. Inheritance: Autosomal recessive inheritance.
Comment: (PP4; PMID: 10394930). This variant is absent from population databases (PM2_supporting). It is a null variant (nonsense) in exon 10/13 (NMD predicted) in PAH, a gene where loss of function is a known mechanism of disease (PVS1). In summary, this variant meets criteria to be classified as pathogenic for PAH. PAH-specific ACMG/AMP criteria applied: PVS1, PM2_supporting, PP4.

Labcorp Genetics (formerly Invitae), Labcorp
Classification: Pathogenic for Phenylketonuria. Last evaluated: 2024-01-24. Review status: criteria provided, single submitter. Criteria: Invitae Variant Classification Sherloc (09022015). Collection method: clinical testing. Allele origin: germline. Not counted in ClinVar's aggregate classification.
Comment: This sequence change creates a premature translational stop signal (p.Gln355*) in the PAH gene. It is expected to result in an absent or disrupted protein product. Loss-of-function variants in PAH are known to be pathogenic (PMID: 1301187, 9634518). This variant is not present in population databases (gnomAD no frequency). This premature translational stop signal has been observed in individual(s) with another GENE variant in an individual, several individuals, a family, several families affected with hyperphenylalaninemia (PMID: 28982351). ClinVar contains an entry for this variant (Variation ID: 102500). Algorithms developed to predict the effect of sequence changes on RNA splicing suggest that this variant may disrupt the consensus splice site. For these reasons, this variant has been classified as Pathogenic.

DeBelle Laboratory for Biochemical Genetics, MUHC/MCH RESEARCH INSTITUTE
No classification provided. Review status: no classification provided. Collection method: not provided. Allele origin: not provided. Not counted in ClinVar's aggregate classification.

Literature cited by the submitters: PubMed 10394930 (cited by ClinGen PAH Variant Curation Expert Panel); PubMed 1301187 (cited by Labcorp Genetics (formerly Invitae), Labcorp); PubMed 9634518 (cited by Labcorp Genetics (formerly Invitae), Labcorp); PubMed 28982351 (cited by Labcorp Genetics (formerly Invitae), Labcorp).